The following is an entry in ClinVar:

NM_015272.5(RPGRIP1L):c.872A>G (p.Gln291Arg)

Gene: RPGRIP1L (RPGRIP1 like; minus strand). Cytogenetic location: 16q12.2.
Variant type: single nucleotide variant.
Coding change: c.872A>G on transcript NM_015272.5 (MANE Select); coding-DNA position 872, A replaced by G.
Protein change: p.Gln291Arg; replaces glutamine 291 with arginine.
Molecular consequence: missense variant.
Genome position (GRCh38, 1-based): chr16:53,675,027, T>C on the plus strand (A>G on the coding strand, the complement: RPGRIP1L is on the minus strand). VCF-style: chr16-53675027-T-C. GRCh37 (hg19) VCF-style: chr16-53708939-T-C.
Other names: c.872A>G, p.Gln291Arg (NM_001127897.4, NM_001308334.3, NM_001330538.2); short protein forms Q291R.
Identifiers: ClinVar variation 2628062 (VCV002628062.2), dbSNP rs1236687801, ClinGen allele CA395923099.
Genomic context (GRCh38, chr16:53,675,027, plus strand): 5'-GAATCCTTTGCATCTCTGTAACATTGTAATAAAATAAATTATCACTGTACCTCTTGAAGC[T>C]GAATAAATTTTCCTTCCATTGCTGAAAGAGCATTGCTTTTCTCTACTAGCTGTTTATGAA-3'
Protein context (NP_056087.2, residues 281-301): ALSAMEGKFI[Gln291Arg]LQEKQRTLRI

ClinVar aggregate classification (germline): Likely pathogenic (1 of 4 stars; one submission).

Conditions:
Leber congenital amaurosis (LCA). Also called: Leber's amaurosis. Identifiers: Orphanet 65, MedGen C0339527, MeSH D057130, MONDO:0018998.

Allele frequency attached by ClinVar (database versions not stated): TOPMed below 0.00001; gnomAD 0.00001.
gnomAD v4.1: 4 of 1,593,280 alleles (0.00025%); highest among the groups gnomAD compares: South Asian, 0.0011%; no homozygotes.

Submission:

DBGen Ocular Genomics
Classification: Likely pathogenic for Leber congenital amaurosis. Last evaluated: 2023-01-01. Review status: criteria provided, single submitter. Criteria: ACMG Guidelines, 2015. Collection method: clinical testing. Allele origin: unknown. Inheritance: Autosomal recessive inheritance. Affected: yes.
Comment: Class 4 ACMG Guidelines, 2015